The following is an entry in ClinVar:

NM_006267.5(RANBP2):c.5441T>A (p.Ile1814Asn)

Gene: RANBP2 (RAN binding protein 2; plus strand). Cytogenetic location: 2q13.
Variant type: single nucleotide variant.
Coding change: c.5441T>A on transcript NM_006267.5 (MANE Select); coding-DNA position 5441, T replaced by A.
Protein change: p.Ile1814Asn; replaces isoleucine 1814 with asparagine.
Molecular consequence: missense variant.
Genome position (GRCh38, 1-based): chr2:108,765,980, T>A. VCF-style: chr2-108765980-T-A. GRCh37 (hg19) VCF-style: chr2-109382436-T-A.
Other names: short protein forms I1814N.
Identifiers: ClinVar variation 1008631 (VCV001008631.9), dbSNP rs1677088173, ClinGen allele CA348072861.
Genomic context (GRCh38, chr2:108,765,980, plus strand): 5'-ATGAGAGTTCTTCCTTAAAATGTGTGGCTTGTGATGCCTCTAAACCAACTCATAAACCTA[T>A]TGCAGAAGCTCCTTCAGCTTTCACACTGGGCTCAGAAATGAAGTTGCATGACTCTTCTGG-3'
Protein context (NP_006258.3, residues 1804-1824): CDASKPTHKP[Ile1814Asn]AEAPSAFTLG

ClinVar aggregate classification (germline): Uncertain significance (1 of 4 stars; one submission).

Conditions:
Familial acute necrotizing encephalopathy (IIAE3). Also called: ENCEPHALOPATHY, ACUTE, INFECTION-INDUCED, SUSCEPTIBILITY TO, 3; Susceptibility to Acute Necrotizing Encephalopathy 1. Identifiers: Orphanet 88619, MedGen C2675556, MONDO:0011953, OMIM 608033.

Submission:

Labcorp Genetics (formerly Invitae), Labcorp
Classification: Uncertain significance for Familial acute necrotizing encephalopathy. Last evaluated: 2020-10-19. Review status: criteria provided, single submitter. Criteria: Invitae Variant Classification Sherloc (09022015). Collection method: clinical testing. Allele origin: germline.
Comment: In summary, the available evidence is currently insufficient to determine the role of this variant in disease. Therefore, it has been classified as a Variant of Uncertain Significance. Algorithms developed to predict the effect of missense changes on protein structure and function output the following: SIFT: "Deleterious"; PolyPhen-2: "Benign"; Align-GVGD: "Class C0". The asparagine amino acid residue is found in multiple mammalian species, suggesting that this missense change does not adversely affect protein function. These predictions have not been confirmed by published functional studies and their clinical significance is uncertain. This variant has not been reported in the literature in individuals with RANBP2-related conditions. This variant is not present in population databases (ExAC no frequency). This sequence change replaces isoleucine with asparagine at codon 1814 of the RANBP2 protein (p.Ile1814Asn). The isoleucine residue is highly conserved and there is a large physicochemical difference between isoleucine and asparagine.